The following is an entry in ClinVar:

NM_005228.5(EGFR):c.2187A>T (p.Gly729=)

Gene: EGFR (epidermal growth factor receptor; plus strand). Cytogenetic location: 7p11.2.
Variant type: single nucleotide variant.
Coding change: c.2187A>T on transcript NM_005228.5 (MANE Select); coding-DNA position 2187, A replaced by T.
Protein change: p.Gly729=; no amino-acid change (glycine 729 retained).
Molecular consequence: synonymous variant.
Genome position (GRCh38, 1-based): chr7:55,174,724, A>T. VCF-style: chr7-55174724-A-T. GRCh37 (hg19) VCF-style: chr7-55242417-A-T.
Other names: c.2052A>T, p.Gly684= (NM_001346897.2, NM_001346899.2); c.2187A>T, p.Gly729= (NM_001346898.2); c.2028A>T, p.Gly676= (NM_001346900.2); c.1386A>T, p.Gly462= (NM_001346941.2).
Identifiers: ClinVar variation 2777442 (VCV002777442.5), dbSNP rs2128954567, ClinGen allele CA454979238.
Genomic context (GRCh38, chr7:55,174,724, plus strand): 5'-AGCATGTGGCACCATCTCACAATTGCCAGTTAACGTCTTCCTTCTCTCTCTGTCATAGGG[A>T]CTCTGGATCCCAGAAGGTGAGAAAGTTAAAATTCCCGTCGCTATCAAGGAATTAAGAGAA-3'
Protein context (NP_005219.2, residues 719-739): GSGAFGTVYK[Gly729=]LWIPEGEKVK

ClinVar aggregate classification (germline): Benign/Likely benign. Review status: criteria provided, multiple submitters, no conflicts (2 of 4 stars). 3 submissions from 3 submitters: Benign (1); Likely benign (2). Last evaluated 2026-01-16.

Conditions:
Hereditary cancer-predisposing syndrome. Also called: Tumor predisposition; Hereditary Cancer Syndrome; Hereditary neoplastic syndrome; Neoplastic Syndromes, Hereditary. Identifiers: Orphanet 140162, MedGen C0027672, MeSH D009386, MONDO:0015356.
EGFR-related lung cancer (EGFR). Identifiers: MedGen CN130014.
Lung cancer. Also called: Lung cancer, somatic; Malignant tumor of lung. Identifiers: MedGen C0242379, MONDO:0008903, OMIM 211980.

Submissions (3):

Ambry Genetics
Classification: Likely benign for Hereditary cancer-predisposing syndrome. Last evaluated: 2026-01-16. Review status: criteria provided, single submitter. Criteria: Ambry Variant Classification Scheme 2023. Collection method: clinical testing. Allele origin: germline.

Myriad Genetics, Inc.
Classification: Benign for Lung cancer. Last evaluated: 2024-10-16. Review status: criteria provided, single submitter. Criteria: Myriad Autosomal Dominant, Autosomal Recessive and X-Linked Classification Criteria (2023). Collection method: clinical testing. Allele origin: unknown.
Comment: This variant is considered benign. This variant is a silent/synonymous amino acid change and it is not expected to impact splicing.

Labcorp Genetics (formerly Invitae), Labcorp
Classification: Likely benign for EGFR-related lung cancer. Last evaluated: 2024-07-06. Review status: criteria provided, single submitter. Criteria: Invitae Variant Classification Sherloc (09022015). Collection method: clinical testing. Allele origin: germline.